The following is an entry in ClinVar:

ClinVar aggregate classification (germline): Uncertain significance. Review status: criteria provided, multiple submitters, no conflicts (2 of 4 stars). 2 submissions from 2 submitters: Uncertain significance (2). Last evaluated 2026-05-05.

Conditions:
Inborn genetic diseases. Identifiers: MedGen C0950123, MeSH D030342.

gnomAD v4.1: 3 of 1,608,850 alleles (0.00019%); highest among the groups gnomAD compares: Non-Finnish European, 0.00017%; no homozygotes.

Submissions (2):

Ambry Genetics
Classification: Uncertain significance for Inborn genetic diseases. Last evaluated: 2026-05-05. Review status: criteria provided, single submitter. Criteria: Ambry Variant Classification Scheme 2023. Collection method: clinical testing. Allele origin: germline.

Labcorp Genetics (formerly Invitae), Labcorp
Classification: Uncertain significance. Last evaluated: 2025-04-17. Review status: criteria provided, single submitter. Criteria: Invitae Variant Classification Sherloc (09022015). Collection method: clinical testing. Allele origin: germline.
Comment: This sequence change replaces arginine, which is basic and polar, with histidine, which is basic and polar, at codon 1923 of the MYH9 protein (p.Arg1923His). This variant is not present in population databases (gnomAD no frequency). This variant has not been reported in the literature in individuals affected with MYH9-related conditions. An algorithm developed to predict the effect of missense changes on protein structure and function (PolyPhen-2) suggests that this variant is likely to be disruptive. In summary, the available evidence is currently insufficient to determine the role of this variant in disease. Therefore, it has been classified as a Variant of Uncertain Significance.

NM_002473.6(MYH9):c.5768G>A (p.Arg1923His)

Gene: MYH9 (myosin heavy chain 9; minus strand). Cytogenetic location: 22q12.3.
Variant type: single nucleotide variant.
Coding change: c.5768G>A on transcript NM_002473.6 (MANE Select); coding-DNA position 5768, G replaced by A.
Protein change: p.Arg1923His; replaces arginine 1923 with histidine.
Molecular consequence: missense variant.
Genome position (GRCh38, 1-based): chr22:36,282,783, C>T on the plus strand (G>A on the coding strand, the complement: MYH9 is on the minus strand). VCF-style: chr22-36282783-C-T. GRCh37 (hg19) VCF-style: chr22-36678829-C-T.
Other names: c.5768G>A (NM_002473.4); short protein forms R1923H.
Identifiers: ClinVar variation 4780901 (VCV004780901.2).